The following is an entry in ClinVar:

NM_020708.5(SLC12A5):c.2672T>C (p.Val891Ala)

Gene: SLC12A5 (solute carrier family 12 member 5; plus strand). Cytogenetic location: 20q13.12.
Variant type: single nucleotide variant.
Coding change: c.2672T>C on transcript NM_020708.5 (MANE Select); coding-DNA position 2672, T replaced by C.
Protein change: p.Val891Ala; replaces valine 891 with alanine.
Molecular consequence: missense variant.
Genome position (GRCh38, 1-based): chr20:46,053,702, T>C. VCF-style: chr20-46053702-T-C. GRCh37 (hg19) VCF-style: chr20-44682341-T-C.
Other names: c.2741T>C, p.Val914Ala (NM_001134771.2); short protein forms V891A, V914A.
Identifiers: ClinVar variation 3012173 (VCV003012173.3), dbSNP rs1300668156, ClinGen allele CA409206359.

ClinVar aggregate classification (germline): Uncertain significance (1 of 4 stars; one submission).

Conditions:
Developmental and epileptic encephalopathy, 34 (DEE34). Also called: SLC12A5-Related Epilepsy of Infancy with Migrating Focal Seizures; Early infantile epileptic encephalopathy 34. Identifiers: Orphanet 293181, MedGen C4225257, MONDO:0014718, OMIM 616645.

Submission:

Labcorp Genetics (formerly Invitae), Labcorp
Classification: Uncertain significance for Developmental and epileptic encephalopathy, 34. Last evaluated: 2024-10-28. Review status: criteria provided, single submitter. Criteria: Invitae Variant Classification Sherloc (09022015). Collection method: clinical testing. Allele origin: germline.
Comment: This sequence change replaces valine, which is neutral and non-polar, with alanine, which is neutral and non-polar, at codon 891 of the SLC12A5 protein (p.Val891Ala). This variant is not present in population databases (gnomAD no frequency). This variant has not been reported in the literature in individuals affected with SLC12A5-related conditions. Invitae Evidence Modeling of protein sequence and biophysical properties (such as structural, functional, and spatial information, amino acid conservation, physicochemical variation, residue mobility, and thermodynamic stability) has been performed for this missense variant. However, the output from this modeling did not meet the statistical confidence thresholds required to predict the impact of this variant on SLC12A5 protein function. In summary, the available evidence is currently insufficient to determine the role of this variant in disease. Therefore, it has been classified as a Variant of Uncertain Significance.